The following is an entry in ClinVar:

NM_006005.3(WFS1):c.2278C>A (p.Leu760Met)

Gene: WFS1 (wolframin ER transmembrane glycoprotein; plus strand). Cytogenetic location: 4p16.1.
Variant type: single nucleotide variant.
Coding change: c.2278C>A on transcript NM_006005.3 (MANE Select); coding-DNA position 2278, C replaced by A.
Protein change: p.Leu760Met; replaces leucine 760 with methionine.
Molecular consequence: missense variant.
Genome position (GRCh38, 1-based): chr4:6,302,073, C>A. VCF-style: chr4-6302073-C-A. GRCh37 (hg19) VCF-style: chr4-6303800-C-A.
Other names: c.2278C>A, p.Leu760Met (NM_001145853.1); short protein forms L760M.
Identifiers: ClinVar variation 506271 (VCV000506271.12), dbSNP rs1553878931, ClinGen allele CA356178274.

ClinVar aggregate classification (germline): Uncertain significance/Uncertain risk allele. Review status: criteria provided, multiple submitters, no conflicts (2 of 4 stars). 4 submissions from 4 submitters: Uncertain significance (3); Uncertain risk allele (1). Last evaluated 2023-07-06.

Conditions:
Inborn genetic diseases. Identifiers: MedGen C0950123, MeSH D030342.
Wolfram syndrome 1 (WFS1). Identifiers: Orphanet 3463, MedGen C4551693, MONDO:0009101, OMIM 222300.

Allele frequency attached by ClinVar (database versions not stated): TOPMed below 0.00001.
gnomAD v4.1: 1 of 1,612,884 alleles (0.000062%); highest among the groups gnomAD compares: African/African-American, 0.0013%; no homozygotes.

Submissions (4):

Labcorp Genetics (formerly Invitae), Labcorp
Classification: Uncertain significance. Last evaluated: 2023-07-06. Review status: criteria provided, single submitter. Criteria: Invitae Variant Classification Sherloc (09022015). Collection method: clinical testing. Allele origin: germline.
Comment: Advanced modeling of protein sequence and biophysical properties (such as structural, functional, and spatial information, amino acid conservation, physicochemical variation, residue mobility, and thermodynamic stability) has been performed at Invitae for this missense variant, however the output from this modeling did not meet the statistical confidence thresholds required to predict the impact of this variant on WFS1 protein function. ClinVar contains an entry for this variant (Variation ID: 506271). In summary, the available evidence is currently insufficient to determine the role of this variant in disease. Therefore, it has been classified as a Variant of Uncertain Significance. This variant has not been reported in the literature in individuals affected with WFS1-related conditions. This sequence change replaces leucine, which is neutral and non-polar, with methionine, which is neutral and non-polar, at codon 760 of the WFS1 protein (p.Leu760Met). This variant is not present in population databases (gnomAD no frequency).

Ambry Genetics
Classification: Uncertain significance for Inborn genetic diseases. Last evaluated: 2022-12-01. Review status: criteria provided, single submitter. Criteria: Ambry Variant Classification Scheme 2023. Collection method: clinical testing. Allele origin: germline.

Laboratory for Molecular Medicine, Mass General Brigham Personalized Medicine
Classification: Uncertain significance. Last evaluated: 2018-01-30. Review status: criteria provided, single submitter. Criteria: LMM Criteria. Collection method: clinical testing. Allele origin: germline. Observed: 1 variant allele.
Comment: The p.Leu760Met variant in WFS1 has not been previously reported in individuals with hearing loss and was absent from large population studies. Computational pr ediction tools and conservation analyses suggest that this variant may impact th e protein, though this information is not predictive enough to determine pathoge nicity. In summary, the clinical significance of the p.Leu760Met variant is unce rtain. ACMG/AMP Criteria applied: PM2; PP3.

Clinical Genomics, Uppaluri K&H Personalized Medicine Clinic
Classification: Uncertain risk allele for Wolfram syndrome 1. Review status: criteria provided, single submitter. Criteria: K & H Uppaluri Personalized Medicine Clinic Variant Classification & Assertion Criteria_Updated V.1. Collection method: research. Allele origin: unknown. Inheritance: Autosomal recessive inheritance.
Comment: Potent mutations in WFS1 gene are associated with Wolfram's syndrome, an autosomal recessive condition, which cause diabetes mellitus, diabetes insipidus, deafness and optic atrophy. However no sufficient evidence is found to ascertain the role of this particular variant rs1553878931 in Wolfram's syndrome yet.

Literature cited by the submitters: PubMed 20738327 (cited by Clinical Genomics, Uppaluri K&H Personalized Medicine Clinic); PubMed 33879153 (cited by Clinical Genomics, Uppaluri K&H Personalized Medicine Clinic); PubMed 12955714 (cited by Clinical Genomics, Uppaluri K&H Personalized Medicine Clinic); PubMed 18060660 (cited by Clinical Genomics, Uppaluri K&H Personalized Medicine Clinic); PubMed 20301750 (cited by Clinical Genomics, Uppaluri K&H Personalized Medicine Clinic); PubMed 17603484 (cited by Clinical Genomics, Uppaluri K&H Personalized Medicine Clinic).